The following is an entry in ClinVar:

ClinVar aggregate classification (germline): Uncertain significance (1 of 4 stars; one submission).

Submission:

Labcorp Genetics (formerly Invitae), Labcorp
Classification: Uncertain significance. Last evaluated: 2023-07-07. Review status: criteria provided, single submitter. Criteria: Invitae Variant Classification Sherloc (09022015). Collection method: clinical testing. Allele origin: germline.
Comment: Experimental studies and prediction algorithms are not available or were not evaluated, and the functional significance of this variant is currently unknown. In summary, the available evidence is currently insufficient to determine the role of this variant in disease. Therefore, it has been classified as a Variant of Uncertain Significance. ClinVar contains an entry for this variant (Variation ID: 1469924). This sequence change creates a premature translational stop signal (p.Leu2407Trpfs*12) in the CEP250 gene. While this is not anticipated to result in nonsense mediated decay, it is expected to disrupt the last 36 amino acid(s) of the CEP250 protein. This variant is not present in population databases (gnomAD no frequency). This variant has not been reported in the literature in individuals affected with CEP250-related conditions.

NM_007186.6(CEP250):c.7219del (p.Leu2407fs)

Gene: CEP250 (centrosomal protein 250; plus strand). Cytogenetic location: 20q11.22.
Variant type: Deletion.
Coding change: c.7219del on transcript NM_007186.6 (MANE Select); coding-DNA position 7219, one base deleted (C; older notation c.7219delC).
Protein change: p.Leu2407fs; shifts the reading frame from leucine 2407.
Molecular consequence: frameshift variant.
Genome position (GRCh38, 1-based): chr20:35,511,516, C deleted; the last of 2 consecutive C bases (chr20:35,511,515-35,511,516); deleting either gives the same sequence. VCF-style (leftmost placement, unchanged base first): chr20-35511514-TC-T. GRCh37 (hg19) VCF-style: chr20-34099343-TC-T.
Other names: c.5323del, p.Leu1775fs (NM_001318219.1); short protein forms L1775fs, L2407fs.
Identifiers: ClinVar variation 1469924 (VCV001469924.6), dbSNP rs2147240925, ClinGen allele CA2573157071.
Genomic context (GRCh38, chr20:35,511,514, plus strand): 5'-GCCTGCACCACAGCCTCTCACACTCACTTCTTGCCGTGGCCCAGGCCCCTGAGGCCACTG[TC>T]CTGGAGGCAGAGACCCGCAGGCTGGATGAGTCCCTGACTCAAAGTCTGACATCCCCAGGG-3'